The following is an entry in ClinVar:

ClinVar aggregate classification (germline): Uncertain significance. Review status: criteria provided, multiple submitters, no conflicts (2 of 4 stars). 2 submissions from 2 submitters: Uncertain significance (2). Last evaluated 2022-12-02.

Conditions:
Myopathy, centronuclear, 2 (CNM2). Also called: MYOTUBULAR MYOPATHY, AUTOSOMAL RECESSIVE. Identifiers: Orphanet 169186, MedGen CN031787, MONDO:0009709, OMIM 255200.
Inborn genetic diseases. Identifiers: MedGen C0950123, MeSH D030342.

Allele frequency attached by ClinVar (database versions not stated): gnomAD exomes below 0.00001.
gnomAD v4.1: 2 of 1,614,184 alleles (0.00012%); highest among the groups gnomAD compares: South Asian, 0.0022%; no homozygotes.

Submissions (2):

Labcorp Genetics (formerly Invitae), Labcorp
Classification: Uncertain significance for Myopathy, centronuclear, 2. Last evaluated: 2022-12-02. Review status: criteria provided, single submitter. Criteria: Invitae Variant Classification Sherloc (09022015). Collection method: clinical testing. Allele origin: germline.
Comment: In summary, the available evidence is currently insufficient to determine the role of this variant in disease. Therefore, it has been classified as a Variant of Uncertain Significance. Advanced modeling of protein sequence and biophysical properties (such as structural, functional, and spatial information, amino acid conservation, physicochemical variation, residue mobility, and thermodynamic stability) performed at Invitae indicates that this missense variant is expected to disrupt BIN1 protein function. ClinVar contains an entry for this variant (Variation ID: 967645). This variant has not been reported in the literature in individuals affected with BIN1-related conditions. This variant is not present in population databases (gnomAD no frequency). This sequence change replaces leucine, which is neutral and non-polar, with phenylalanine, which is neutral and non-polar, at codon 160 of the BIN1 protein (p.Leu160Phe).

Ambry Genetics
Classification: Uncertain significance for Inborn genetic diseases. Last evaluated: 2022-02-11. Review status: criteria provided, single submitter. Criteria: Ambry Variant Classification Scheme 2023. Collection method: clinical testing. Allele origin: germline.

NM_139343.3(BIN1):c.478C>T (p.Leu160Phe)

Gene: BIN1 (bridging integrator 1; minus strand). Cytogenetic location: 2q14.3.
Variant type: single nucleotide variant.
Coding change: c.478C>T on transcript NM_139343.3 (MANE Select); coding-DNA position 478, C replaced by T.
Protein change: p.Leu160Phe; replaces leucine 160 with phenylalanine.
Molecular consequence: missense variant.
Genome position (GRCh38, 1-based): chr2:127,068,965, G>A on the plus strand (C>T on the coding strand, the complement: BIN1 is on the minus strand). VCF-style: chr2-127068965-G-A. GRCh37 (hg19) VCF-style: chr2-127826541-G-A.
Other names: c.478C>T, p.Leu160Phe (NM_001320632.2, NM_001320633.2, NM_001320640.2 and 10 more transcripts); c.406C>T, p.Leu136Phe (NM_001320634.1); c.397C>T, p.Leu133Phe (NM_001320642.1); short protein forms L133F, L136F, L160F.
Identifiers: ClinVar variation 967645 (VCV000967645.10), dbSNP rs1685511003, ClinGen allele CA348367727.